The following is an entry in ClinVar:

ClinVar aggregate classification (germline): Benign/Likely benign. Review status: criteria provided, multiple submitters, no conflicts (2 of 4 stars). 3 submissions from 3 submitters: Benign (1); Likely benign (2). Last evaluated 2026-06-17.

Conditions:
Polyps, multiple and recurrent inflammatory fibroid, gastrointestinal. Identifiers: MedGen C5193005, MONDO:0008285, OMIM 175510.
Hereditary cancer-predisposing syndrome. Also called: Neoplastic Syndromes, Hereditary; Hereditary Cancer Syndrome; Hereditary neoplastic syndrome; Tumor predisposition. Identifiers: Orphanet 140162, MedGen C0027672, MeSH D009386, MONDO:0015356.
Gastrointestinal stromal tumor. Also called: Gastrointestinal stromal tumor, somatic; Gastrointestinal stroma tumor. Identifiers: Orphanet 44890, MedGen C0238198, MeSH D046152, MONDO:0011719, OMIM 606764, HP:0100723.

Allele frequency attached by ClinVar (database versions not stated): gnomAD exomes below 0.00001; gnomAD 0.00001.
gnomAD v4.1: 3 of 1,276,360 alleles (0.00024%); highest among the groups gnomAD compares: Admixed American, 0.005%; no homozygotes.

Submissions (3):

Myriad Genetics, Inc.
Classification: Benign for Polyps, multiple and recurrent inflammatory fibroid, gastrointestinal. Last evaluated: 2026-06-17. Review status: criteria provided, single submitter. Criteria: Myriad Autosomal Dominant, Autosomal Recessive and X-Linked Classification Criteria (2023). Collection method: clinical testing. Allele origin: unknown.
Comment: This variant is considered benign. This variant is a silent/synonymous amino acid change and it is not expected to impact splicing.

Labcorp Genetics (formerly Invitae), Labcorp
Classification: Likely benign for Gastrointestinal stromal tumor. Last evaluated: 2025-07-07. Review status: criteria provided, single submitter. Criteria: Invitae Variant Classification Sherloc (09022015). Collection method: clinical testing. Allele origin: germline.

Ambry Genetics
Classification: Likely benign for Hereditary cancer-predisposing syndrome. Last evaluated: 2019-08-12. Review status: criteria provided, single submitter. Criteria: Ambry Variant Classification Scheme 2023. Collection method: clinical testing. Allele origin: germline.

NM_006206.6(PDGFRA):c.2325C>T (p.Asp775=)

Gene: PDGFRA (platelet derived growth factor receptor alpha; plus strand). Cytogenetic location: 4q12.
Variant type: single nucleotide variant.
Coding change: c.2325C>T on transcript NM_006206.6 (MANE Select); coding-DNA position 2325, C replaced by T.
Protein change: p.Asp775=; no amino-acid change (aspartic acid 775 retained).
Molecular consequence: synonymous variant.
Genome position (GRCh38, 1-based): chr4:54,285,372, C>T. VCF-style: chr4-54285372-C-T. GRCh37 (hg19) VCF-style: chr4-55151539-C-T.
Other names: c.2400C>T, p.Asp800= (NM_001347828.2); c.2325C>T, p.Asp775= (NM_001347829.2); c.2364C>T, p.Asp788= (NM_001347830.2).
Identifiers: ClinVar variation 821102 (VCV000821102.14), dbSNP rs1386194880, ClinGen allele CA439287631.